The following is an entry in ClinVar:

ClinVar aggregate classification (germline): Uncertain significance. Review status: criteria provided, multiple submitters, no conflicts (2 of 4 stars). 2 submissions from 2 submitters: Uncertain significance (2). Last evaluated 2024-08-19.

Conditions:
Inborn genetic diseases. Identifiers: MedGen C0950123, MeSH D030342.

Allele frequency attached by ClinVar (database versions not stated): ExAC 0.00002; TOPMed 0.00003; gnomAD 0.00007; gnomAD exomes 0.00008.
gnomAD v4.1: 123 of 1,613,970 alleles (0.0076%); highest among the groups gnomAD compares: Non-Finnish European, 0.01%; no homozygotes.

Submissions (2):

Ambry Genetics
Classification: Uncertain significance for Inborn genetic diseases. Last evaluated: 2024-08-19. Review status: criteria provided, single submitter. Criteria: Ambry Variant Classification Scheme 2023. Collection method: clinical testing. Allele origin: germline.

Labcorp Genetics (formerly Invitae), Labcorp
Classification: Uncertain significance. Last evaluated: 2024-05-22. Review status: criteria provided, single submitter. Criteria: Invitae Variant Classification Sherloc (09022015). Collection method: clinical testing. Allele origin: germline.
Comment: This sequence change replaces glycine, which is neutral and non-polar, with cysteine, which is neutral and slightly polar, at codon 360 of the RXYLT1 protein (p.Gly360Cys). This variant is present in population databases (rs768061954, gnomAD 0.009%). This variant has not been reported in the literature in individuals affected with RXYLT1-related conditions. ClinVar contains an entry for this variant (Variation ID: 1939395). Advanced modeling of protein sequence and biophysical properties (such as structural, functional, and spatial information, amino acid conservation, physicochemical variation, residue mobility, and thermodynamic stability) has been performed at Invitae for this missense variant, however the output from this modeling did not meet the statistical confidence thresholds required to predict the impact of this variant on RXYLT1 protein function. In summary, the available evidence is currently insufficient to determine the role of this variant in disease. Therefore, it has been classified as a Variant of Uncertain Significance.

NM_014254.3(RXYLT1):c.1078G>T (p.Gly360Cys)

Gene: RXYLT1 (ribitol xylosyltransferase 1; plus strand). Cytogenetic location: 12q14.2.
Variant type: single nucleotide variant.
Coding change: c.1078G>T on transcript NM_014254.3 (MANE Select); coding-DNA position 1078, G replaced by T.
Protein change: p.Gly360Cys; replaces glycine 360 with cysteine.
Molecular consequence: missense variant.
Genome position (GRCh38, 1-based): chr12:63,808,838, G>T. VCF-style: chr12-63808838-G-T. GRCh37 (hg19) VCF-style: chr12-64202618-G-T.
Other names: c.298G>T, p.Gly100Cys (NM_001278237.2); c.1078G>T (NM_014254.1); short protein forms G100C, G360C.
Identifiers: ClinVar variation 1939395 (VCV001939395.4), dbSNP rs768061954, ClinGen allele CA6666240.